The following is an entry in ClinVar:

ClinVar aggregate classification (germline): Uncertain significance (1 of 4 stars; one submission).

Submission:

Dasa
Classification: Uncertain significance. Last evaluated: 2026-01-09. Review status: criteria provided, single submitter. Criteria: DASA Assertion Criteria. Collection method: clinical testing. Allele origin: germline.
Comment: NM_013275.6(ANKRD11):c.10G>T (p.Gly4Cys) is a missense variant that results in the substitution of glycine with cysteine. This variant is rare in population databases. The currently available literature and clinical evidence are not sufficient to establish a definitive association between this variant and the reported condition. Therefore, this variant is classified as a variant of uncertain significance.

NM_013275.6(ANKRD11):c.10G>T (p.Gly4Cys)

Gene: ANKRD11 (ankyrin repeat domain 11; minus strand). Cytogenetic location: 16q24.3.
Variant type: single nucleotide variant.
Coding change: c.10G>T on transcript NM_013275.6 (MANE Select); coding-DNA position 10, G replaced by T.
Protein change: p.Gly4Cys; replaces glycine 4 with cysteine.
Molecular consequence: missense variant. On other transcripts: non-coding transcript variant (1).
Genome position (GRCh38, 1-based): chr16:89,317,010, C>A on the plus strand (G>T on the coding strand, the complement: ANKRD11 is on the minus strand). VCF-style: chr16-89317010-C-A. GRCh37 (hg19) VCF-style: chr16-89383418-C-A.
Other names: c.10G>T, p.Gly4Cys (NM_001256182.2, NM_001256183.2); short protein forms G4C.
Identifiers: ClinVar variation 4885919 (VCV004885919.2).